The following is an entry in ClinVar:

ClinVar aggregate classification (germline): Uncertain significance. Review status: criteria provided, multiple submitters, no conflicts (2 of 4 stars). 2 submissions from 2 submitters: Uncertain significance (2). Last evaluated 2025-11-03.

Allele frequency attached by ClinVar (database versions not stated): ESP Exome Variant Server 0.00131.
gnomAD v4.1: 1,301 of 1,613,972 alleles (0.081%); highest among the groups gnomAD compares: Non-Finnish European, 0.1%; 1 homozygote.

Submissions (2):

Labcorp Genetics (formerly Invitae), Labcorp
Classification: Uncertain significance. Last evaluated: 2025-11-03. Review status: criteria provided, single submitter. Criteria: Invitae Variant Classification Sherloc (09022015). Collection method: clinical testing. Allele origin: germline.
Comment: This sequence change replaces alanine, which is neutral and non-polar, with threonine, which is neutral and polar, at codon 231 of the SHPK protein (p.Ala231Thr). This variant is present in population databases (rs138467771, gnomAD 0.1%), and has an allele count higher than expected for a pathogenic variant. This variant has not been reported in the literature in individuals affected with SHPK-related conditions. ClinVar contains an entry for this variant (Variation ID: 1501112). An algorithm developed to predict the effect of missense changes on protein structure and function outputs the following: PolyPhen-2: "Benign". The threonine amino acid residue is found in multiple mammalian species, which suggests that this missense change does not adversely affect protein function. In summary, the available evidence is currently insufficient to determine the role of this variant in disease. Therefore, it has been classified as a Variant of Uncertain Significance.

Ambry Genetics
Classification: Uncertain significance. Last evaluated: 2021-06-22. Review status: criteria provided, single submitter. Criteria: Ambry Variant Classification Scheme 2023. Collection method: clinical testing. Allele origin: germline.

NM_013276.4(SHPK):c.691G>A (p.Ala231Thr)

Gene: SHPK (sedoheptulokinase; minus strand). Cytogenetic location: 17p13.2.
Variant type: single nucleotide variant.
Coding change: c.691G>A on transcript NM_013276.4 (MANE Select); coding-DNA position 691, G replaced by A.
Protein change: p.Ala231Thr; replaces alanine 231 with threonine.
Molecular consequence: missense variant.
Genome position (GRCh38, 1-based): chr17:3,621,369, C>T on the plus strand (G>A on the coding strand, the complement: SHPK is on the minus strand). VCF-style: chr17-3621369-C-T. GRCh37 (hg19) VCF-style: chr17-3524663-C-T.
Other names: c.691G>A (NM_013276.2); short protein forms A231T.
Identifiers: ClinVar variation 1501112 (VCV001501112.7), dbSNP rs138467771, ClinGen allele CA8291234.